The following is an entry in ClinVar:

ClinVar aggregate classification (germline): Uncertain significance (1 of 4 stars; one submission).

Conditions:
Inborn genetic diseases. Identifiers: MedGen C0950123, MeSH D030342.

Allele frequency attached by ClinVar (database versions not stated): TOPMed 0.00002.
gnomAD v4.1: 33 of 1,613,934 alleles (0.002%); highest among the groups gnomAD compares: Non-Finnish European, 0.0028%; no homozygotes.

Submission:

Ambry Genetics
Classification: Uncertain significance for Inborn genetic diseases. Last evaluated: 2023-10-22. Review status: criteria provided, single submitter. Criteria: Ambry Variant Classification Scheme 2023. Collection method: clinical testing. Allele origin: germline.
Comment: The p.A999D variant (also known as c.2996C>A), located in coding exon 23 of the LRRK2 gene, results from a C to A substitution at nucleotide position 2996. The alanine at codon 999 is replaced by aspartic acid, an amino acid with dissimilar properties. This amino acid position is conserved. In addition, this alteration is predicted to be tolerated by in silico analysis. Since supporting evidence is limited at this time, the clinical significance of this alteration remains unclear.

NM_198578.4(LRRK2):c.2996C>A (p.Ala999Asp)

Gene: LRRK2 (leucine rich repeat kinase 2; plus strand). Cytogenetic location: 12q12.
Variant type: single nucleotide variant.
Coding change: c.2996C>A on transcript NM_198578.4 (MANE Select); coding-DNA position 2996, C replaced by A.
Protein change: p.Ala999Asp; replaces alanine 999 with aspartic acid.
Molecular consequence: missense variant.
Genome position (GRCh38, 1-based): chr12:40,295,544, C>A. VCF-style: chr12-40295544-C-A. GRCh37 (hg19) VCF-style: chr12-40689346-C-A.
Other names: short protein forms A999D.
Identifiers: ClinVar variation 1798574 (VCV001798574.2), dbSNP rs1302295414, ClinGen allele CA384412774.